The following is an entry in ClinVar:

ClinVar aggregate classification (germline): Pathogenic. Review status: criteria provided, single submitter (1 of 4 stars). 2 submissions from 2 submitters: Pathogenic (1). 1 of the submissions does not count toward it. Last evaluated 2017-04-24.

Conditions:
Arrhythmogenic right ventricular dysplasia 9 (ARVD9). Also called: ARRHYTHMOGENIC RIGHT VENTRICULAR DYSPLASIA, FAMILIAL, 9; Arrhythmogenic Right Ventricular Dysplasia/Cardiomyopathy 9. Identifiers: MedGen C1836906, MONDO:0012180, OMIM 609040.
Cardiovascular phenotype. Identifiers: MedGen CN230736.

Submissions (2):

Ambry Genetics
Classification: Pathogenic for Cardiovascular phenotype. Last evaluated: 2017-04-24. Review status: criteria provided, single submitter. Criteria: Ambry Variant Classification Scheme 2023. Collection method: clinical testing. Allele origin: germline.
Comment: The p.Q407* pathogenic mutation (also known as c.1219C>T), located in coding exon 5 of the PKP2 gene, results from a C to T substitution at nucleotide position 1219. This changes the amino acid from a glutamine to a stop codon within coding exon 5. This alteration is expected to result in loss of function by premature protein truncation or nonsense-mediated mRNA decay. As such, this alteration is interpreted as a disease-causing mutation.

deCODE genetics, Amgen
Classification: Likely pathogenic for Arrhythmogenic right ventricular dysplasia 9. Last evaluated: 2023-07-21. Review status: no assertion criteria provided. Collection method: research. Allele origin: germline. Affected: yes. Observed: 1 variant allele. Not counted in ClinVar's aggregate classification.
Comment: The variant NM_001005242.3:c.1219C>T (chr12:32850925) in PKP2 was detected in 1 heterozygote out of 58K WGS Icelanders (MAF= 0,001%). This variant has been reported in ClinVar previously as pathogenic. Based on ACMG criteria (PVS1, PM2) this variant classifies as likely pathogenic.

NM_001005242.3(PKP2):c.1219C>T (p.Gln407Ter)

Gene: PKP2 (plakophilin 2; minus strand). Cytogenetic location: 12p11.21.
Variant type: single nucleotide variant.
Coding change: c.1219C>T on transcript NM_001005242.3 (MANE Select); coding-DNA position 1219, C replaced by T.
Protein change: p.Gln407Ter; replaces glutamine 407 with a stop codon.
Molecular consequence: nonsense.
Genome position (GRCh38, 1-based): chr12:32,850,925, G>A on the plus strand (C>T on the coding strand, the complement: PKP2 is on the minus strand). VCF-style: chr12-32850925-G-A. GRCh37 (hg19) VCF-style: chr12-33003859-G-A.
Other names: c.1219C>T, p.Gln407Ter (NM_004572.4); short protein forms Q407*.
Identifiers: ClinVar variation 518477 (VCV000518477.21), dbSNP rs1555145520, ClinGen allele CA384370761.
Genomic context (GRCh38, chr12:32,850,925, plus strand): 5'-TGTCTTCAAATACTAAGTTTCTCAAGGCCCCACACACAGCTCGCTGAACGTCTTCATTCT[G>A]AACTTTTAGGAGCTGCAGAAGCTTGAGGATGCCACGAAGCTGGTTAACCTGGGGAAGAAG-3'